The following is an entry in ClinVar:

ClinVar aggregate classification (germline): Uncertain significance (1 of 4 stars; one submission).

Conditions:
Cardiovascular phenotype. Identifiers: MedGen CN230736.

gnomAD v4.1: 42 of 1,605,304 alleles (0.0026%); highest among the groups gnomAD compares: East Asian, 0.0045%; no homozygotes.

Submission:

Ambry Genetics
Classification: Uncertain significance for Cardiovascular phenotype. Last evaluated: 2025-05-30. Review status: criteria provided, single submitter. Criteria: Ambry Variant Classification Scheme 2023. Collection method: clinical testing. Allele origin: germline.
Comment: The p.P39A variant (also known as c.115C>G), located in coding exon 1 of the TNXB gene, results from a C to G substitution at nucleotide position 115. The proline at codon 39 is replaced by alanine, an amino acid with highly similar properties. This amino acid position is conserved. In addition, the in silico prediction for this alteration is inconclusive. Based on the available evidence, the clinical significance of this variant remains unclear.

NM_001365276.2(TNXB):c.115C>G (p.Pro39Ala)

Gene: TNXB (tenascin XB; minus strand). Cytogenetic location: 6p21.33.
Variant type: single nucleotide variant.
Coding change: c.115C>G on transcript NM_001365276.2 (MANE Select); coding-DNA position 115, C replaced by G.
Protein change: p.Pro39Ala; replaces proline 39 with alanine.
Molecular consequence: missense variant.
Genome position (GRCh38, 1-based): chr6:32,098,084, G>C on the plus strand (C>G on the coding strand, the complement: TNXB is on the minus strand). VCF-style: chr6-32098084-G-C. GRCh37 (hg19) VCF-style: chr6-32065861-G-C.
Other names: c.115C>G, p.Pro39Ala (NM_001428335.1, NM_019105.8); short protein forms P39A.
Identifiers: ClinVar variation 3972043 (VCV003972043.1).